The following is an entry in ClinVar:

ClinVar aggregate classification (germline): Benign/Likely benign. Review status: criteria provided, multiple submitters, no conflicts (2 of 4 stars). 3 submissions from 3 submitters: Benign (1); Likely benign (2). Last evaluated 2025-02-27.

Conditions:
Hereditary cancer-predisposing syndrome. Also called: Tumor predisposition; Neoplastic Syndromes, Hereditary; Hereditary Cancer Syndrome; Hereditary neoplastic syndrome. Identifiers: Orphanet 140162, MedGen C0027672, MeSH D009386, MONDO:0015356.
Hereditary diffuse gastric adenocarcinoma (HDGC). Also called: DIFFUSE GASTRIC AND LOBULAR BREAST CANCER SYNDROME. Identifiers: Orphanet 26106, MedGen C1708349, MONDO:0007648, OMIM 137215.

Submissions (3):

Labcorp Genetics (formerly Invitae), Labcorp
Classification: Likely benign for Hereditary diffuse gastric adenocarcinoma. Last evaluated: 2025-02-27. Review status: criteria provided, single submitter. Criteria: Invitae Variant Classification Sherloc (09022015). Collection method: clinical testing. Allele origin: germline.

Myriad Genetics, Inc.
Classification: Benign for Hereditary diffuse gastric adenocarcinoma. Last evaluated: 2024-09-13. Review status: criteria provided, single submitter. Criteria: Myriad Autosomal Dominant, Autosomal Recessive and X-Linked Classification Criteria (2023). Collection method: clinical testing. Allele origin: unknown.
Comment: This variant is considered benign. This variant is a silent/synonymous amino acid change and it is not expected to impact splicing.

Ambry Genetics
Classification: Likely benign for Hereditary cancer-predisposing syndrome. Last evaluated: 2019-06-17. Review status: criteria provided, single submitter. Criteria: Ambry Variant Classification Scheme 2023. Collection method: clinical testing. Allele origin: germline.

NM_004360.5(CDH1):c.435C>T (p.Ser145=)

Gene: CDH1 (cadherin 1; plus strand). Cytogenetic location: 16q22.1.
Variant type: single nucleotide variant.
Coding change: c.435C>T on transcript NM_004360.5 (MANE Select); coding-DNA position 435, C replaced by T.
Protein change: p.Ser145=; no amino-acid change (serine 145 retained).
Molecular consequence: synonymous variant. On other transcripts: 5 prime UTR variant (2).
Genome position (GRCh38, 1-based): chr16:68,808,471, C>T. VCF-style: chr16-68808471-C-T. GRCh37 (hg19) VCF-style: chr16-68842374-C-T.
Other names: c.435C>T (LRG_301t1); c.435C>T, p.Ser145= (NM_001317184.2); c.-1181C>T (NM_001317185.2); c.-1385C>T (NM_001317186.2).
Identifiers: ClinVar variation 414065 (VCV000414065.18), dbSNP rs1060504177, ClinGen allele CA16615217.